The following is an entry in ClinVar:

NM_002907.4(RECQL):c.423C>G (p.Ile141Met)

Gene: RECQL (RecQ like helicase; minus strand). Cytogenetic location: 12p12.1.
Variant type: single nucleotide variant.
Coding change: c.423C>G on transcript NM_002907.4 (MANE Select); coding-DNA position 423, C replaced by G.
Protein change: p.Ile141Met; replaces isoleucine 141 with methionine.
Molecular consequence: missense variant.
Genome position (GRCh38, 1-based): chr12:21,486,557, G>C on the plus strand (C>G on the coding strand, the complement: RECQL is on the minus strand). VCF-style: chr12-21486557-G-C. GRCh37 (hg19) VCF-style: chr12-21639491-G-C.
Other names: c.423C>G, p.Ile141Met (NM_032941.3); short protein forms I141M.
Identifiers: ClinVar variation 1738965 (VCV001738965.2), dbSNP rs2540387295, ClinGen allele CA384130279.
Genomic context (GRCh38, chr12:21,486,557, plus strand): 5'-TAACATGGTTGCTGAAATTCCTAATTGTTTTAAAACCATTAATTGGTCTTCCATAAGAGA[G>C]ATCAATGGGCAAATGACGAGTGTAAAACCTAAAAGAGAAAAAAAAAAAAATCTACCTTAA-3'
Protein context (NP_002898.2, residues 131-151): DGFTLVICPL[Ile141Met]SLMEDQLMVL

ClinVar aggregate classification (germline): Uncertain significance (1 of 4 stars; one submission).

Submission:

Ambry Genetics
Classification: Uncertain significance. Last evaluated: 2022-02-10. Review status: criteria provided, single submitter. Criteria: Ambry Variant Classification Scheme 2023. Collection method: clinical testing. Allele origin: germline.
Comment: The p.I141M variant (also known as c.423C>G), located in coding exon 4 of the RECQL gene, results from a C to G substitution at nucleotide position 423. The isoleucine at codon 141 is replaced by methionine, an amino acid with highly similar properties. This amino acid position is conserved. In addition, this alteration is predicted to be tolerated by in silico analysis. Since supporting evidence is limited at this time, the clinical significance of this alteration remains unclear.